The following is an entry in ClinVar:

NM_017617.5(NOTCH1):c.1649dup (p.Tyr550Ter)

Gene: NOTCH1 (notch receptor 1; minus strand). Cytogenetic location: 9q34.3.
Variant type: Duplication.
Coding change: c.1649dup on transcript NM_017617.5 (MANE Select); coding-DNA position 1649, one base duplicated (A; older notation c.1649dupA).
Protein change: p.Tyr550Ter; replaces tyrosine 550 with a stop codon.
Molecular consequence: nonsense.
Genome position (GRCh38, 1-based): chr9:136,516,001, T duplicated on the plus strand (A on the coding strand, the reverse complement: NOTCH1 is on the minus strand). VCF-style (leftmost placement, unchanged base first): chr9-136516000-G-GT. GRCh37 (hg19) VCF-style: chr9-139410452-G-GT.
Other names: p.Tyr550Ter; c.1649dup, p.Tyr550Ter (LRG_1122t1); c.1649dupA (NM_017617.4); short protein forms Y550*.
Identifiers: ClinVar variation 219378 (VCV000219378.3), dbSNP rs864622059, ClinGen allele CA348000.

ClinVar aggregate classification (germline): Pathogenic. Review status: criteria provided, multiple submitters, no conflicts (2 of 4 stars). 4 submissions from 4 submitters: Pathogenic (3). 1 of the submissions does not count toward it. Last evaluated 2026-04-01.

Conditions:
Congenital heart disease (CHD). Identifiers: MedGen C0152021, MONDO:0005453. Disease mechanism: unknown.
Congenital anomaly of kidney and urinary tract. Also called: Congenital anomalies of kidney and urinary tract; Congenital anomalies of the kidney and urinary tract. Identifiers: Orphanet 93545, MedGen C1968949, MeSH C566906, MONDO:0019719.
NOTCH1-related disorder. Also called: NOTCH1-related condition; NOTCH1-related disorders.
Adams-Oliver syndrome 5 (AOS5). Identifiers: Orphanet 974, MedGen C4014970, MONDO:0014459, OMIM 616028.

Submissions (4):

Institute Of Molecular Biology And Genetics, Federal Almazov National Medical Research Centre
Classification: Pathogenic for Congenital heart disease; Congenital anomaly of kidney and urinary tract. Last evaluated: 2026-04-01. Review status: criteria provided, single submitter. Criteria: ACMG Guidelines, 2015. Collection method: clinical testing. Allele origin: germline. Affected: yes. Observed: 1 variant allele.
Comment: The variant NM_017617.5: c.1649dup is a nonsense variant in NOTCH1 gene which is predicted to result in a premature stop codon (p.Tyr550Ter), and likely results in an absent or disrupted protein product (PVS1). Loss-of-function is a known mechanism for NOTCH1-related disorders. The variant is not present in the population database gnomAD (PM2). The variant c.1649dup has multiple records in ClinVar with pathogenic interpretation (Variation ID: 219378), and was comprehensively characterized as a genetic cause of Adams-Oliver Syndrome in a 3-generation family (PMID: 25963545).

PreventionGenetics, part of Exact Sciences
Classification: Pathogenic for NOTCH1-related condition. Last evaluated: 2025-11-07. Review status: criteria provided, single submitter. Criteria: ACMG Guidelines, 2015. Collection method: clinical testing. Allele origin: germline.
Comment: The NOTCH1 c.1649dupA variant is predicted to result in premature protein termination (p.Tyr550*). This variant has been reported to segregate with disease in a family with multiple individuals affected with Adams-Oliver syndrome (Southgate et al. 2015. PubMed ID: 25963545) and in another individual with hypoplastic left heart and coarctation of the aorta (Helle et al. 2018. PubMed ID: 30511478). In both of these families there were unaffected carriers of the variant. This variant has not been reported in a large population database (gnomAD), indicating this variant is rare. Nonsense variants in NOTCH1 are expected to be pathogenic. This variant is interpreted as pathogenic.

Molecular and Medical Genetics Group, King's College London
Classification: Pathogenic for Adams-Oliver syndrome 5. Last evaluated: 2014-01-07. Review status: criteria provided, single submitter. Criteria: Submitter's publication. Collection method: research. Allele origin: inherited. Affected: yes.

OMIM
Classification: Pathogenic for ADAMS-OLIVER SYNDROME 5. Last evaluated: 2016-01-30. Review status: no assertion criteria provided. Collection method: literature only. Allele origin: germline. Not counted in ClinVar's aggregate classification.

Literature cited by the submitters: PubMed 25963545 (cited by Institute Of Molecular Biology And Genetics, Federal Almazov National Medical Research Centre and OMIM).